The following is an entry in ClinVar:

NM_000219.6(KCNE1):c.*2000C>T

Gene: KCNE1 (potassium voltage-gated channel subfamily E regulatory subunit 1; minus strand). Cytogenetic location: 21q22.12.
Variant type: single nucleotide variant.
Coding change: c.*2000C>T on transcript NM_000219.6 (MANE Select); 2000 bases downstream of the stop codon, C replaced by T.
Molecular consequence: 3 prime UTR variant.
Genome position (GRCh38, 1-based): chr21:34,447,245, G>A on the plus strand (C>T on the coding strand, the complement: KCNE1 is on the minus strand). VCF-style: chr21-34447245-G-A. GRCh37 (hg19) VCF-style: chr21-35819543-G-A.
Other names: c.*2000C>T (NM_001127668.4, NM_001127669.4, NM_001127670.4 and 4 more transcripts).
Identifiers: ClinVar variation 339734 (VCV000339734.6), dbSNP rs544071641, ClinGen allele CA10653511.
Genomic context (GRCh38, chr21:34,447,245, plus strand): 5'-CTCAGTCTGGGAATATGCAACTGCCTAAGAAGGGTCTGGCTTACACAGGGGCCGTGAGAC[G>A]TGGCAGGCATAGCTGGGCTGCTACTGGTCATGAATCCTGGACACGGCAGGCAAGGTGTGG-3'

ClinVar aggregate classification (germline): Likely benign. Review status: criteria provided, single submitter (1 of 4 stars). 2 submissions from 1 submitter: Likely benign (2). Last evaluated 2018-01-13.

Conditions:
Long QT syndrome 5 (LQT5). Identifiers: Orphanet 101016, Orphanet 768, MedGen C1867904, MONDO:0013372, OMIM 613695.
Jervell and Lange-Nielsen syndrome 2 (JLNS2). Identifiers: Orphanet 768, Orphanet 90647, MedGen C2676723, MONDO:0012871, OMIM 612347.

Allele frequency attached by ClinVar (database versions not stated): gnomAD 0.00006; 1000 Genomes Project 0.00160.

Submissions (2):

Illumina Laboratory Services, Illumina
Classification: Likely benign for Jervell and Lange-Nielsen syndrome 2. Last evaluated: 2018-01-13. Review status: criteria provided, single submitter. Criteria: ICSL Variant Classification Criteria 13 December 2019. Collection method: clinical testing. Allele origin: germline.
Comment: This variant was observed in the ICSL laboratory as part of a predisposition screen in an ostensibly healthy population. It had not been previously curated by ICSL or reported in the Human Gene Mutation Database (HGMD: prior to June 1st, 2018), and was therefore a candidate for classification through an automated scoring system. Utilizing variant allele frequency, disease prevalence and penetrance estimates, and inheritance mode, an automated score was calculated to assess if this variant is too frequent to cause the disease. Based on the score and internal cut-off values, a variant classified as likely benign is not then subjected to further curation. The score for this variant resulted in a classification of likely benign for this disease.

Illumina Laboratory Services, Illumina
Classification: Likely benign for Long QT syndrome 5. Last evaluated: 2018-01-13. Review status: criteria provided, single submitter. Criteria: ICSL Variant Classification Criteria 13 December 2019. Collection method: clinical testing. Allele origin: germline.
Comment: the same text as in the submission from Illumina Laboratory Services, Illumina above.